The following is an entry in ClinVar:

NM_001684.5(ATP2B4):c.3309+5682G>T

Gene: ATP2B4 (ATPase plasma membrane Ca2+ transporting 4; plus strand). Cytogenetic location: 1q32.1.
Variant type: single nucleotide variant.
Coding change: c.3309+5682G>T on transcript NM_001684.5 (MANE Select); 5682 bases into the intron after coding-DNA position 3309, G replaced by T.
Molecular consequence: intron variant. On other transcripts: missense variant (3).
Genome position (GRCh38, 1-based): chr1:203,733,253, G>T. VCF-style: chr1-203733253-G-T. GRCh37 (hg19) VCF-style: chr1-203702381-G-T.
Other names: c.3340G>T, p.Ala1114Ser (NM_001001396.3, NM_001365783.2, NM_001365784.2); short protein forms A1114S.
Identifiers: ClinVar variation 3666033 (VCV003666033.2).

ClinVar aggregate classification (germline): Uncertain significance (1 of 4 stars; one submission).

gnomAD v4.1: 65 of 1,613,426 alleles (0.004%); highest among the groups gnomAD compares: Non-Finnish European, 0.0053%; no homozygotes.

Submission:

Labcorp Genetics (formerly Invitae), Labcorp
Classification: Uncertain significance. Last evaluated: 2025-01-14. Review status: criteria provided, single submitter. Criteria: Invitae Variant Classification Sherloc (09022015). Collection method: clinical testing. Allele origin: germline.
Comment: This sequence change replaces alanine, which is neutral and non-polar, with serine, which is neutral and polar, at codon 1114 of the ATP2B4 protein (p.Ala1114Ser). This variant is present in population databases (rs773711860, gnomAD 0.006%). This variant has not been reported in the literature in individuals affected with ATP2B4-related conditions. Invitae Evidence Modeling of protein sequence and biophysical properties (such as structural, functional, and spatial information, amino acid conservation, physicochemical variation, residue mobility, and thermodynamic stability) indicates that this missense variant is not expected to disrupt ATP2B4 protein function with a negative predictive value of 80%. In summary, the available evidence is currently insufficient to determine the role of this variant in disease. Therefore, it has been classified as a Variant of Uncertain Significance.